The following is an entry in ClinVar:

ClinVar aggregate classification (germline): Uncertain significance (1 of 4 stars; one submission).

Conditions:
Neurodevelopmental disorder with progressive spasticity and brain white matter abnormalities. Also called: CEREBRAL PALSY, SPASTIC QUADRIPLEGIC, 1. Identifiers: Orphanet 210141, Orphanet 641353, MedGen C5436628, MONDO:0033613, OMIM 619026.

Submission:

Centre for Mendelian Genomics, University Medical Centre Ljubljana
Classification: Uncertain significance. Last evaluated: 2019-09-27. Review status: criteria provided, single submitter. Criteria: ACMG Guidelines, 2015. Collection method: clinical testing. Allele origin: unknown. Affected: yes.
Comment: This variant was classified as: Uncertain significance. The available evidence on this variant's pathogenicity is insufficient or conflicting. The following ACMG criteria were applied in classifying this variant: PM2,PP3.

NM_000817.3(GAD1):c.92C>T (p.Thr31Ile)

Gene: GAD1 (glutamate decarboxylase 1; plus strand). Cytogenetic location: 2q31.1.
Variant type: single nucleotide variant.
Coding change: c.92C>T on transcript NM_000817.3 (MANE Select); coding-DNA position 92, C replaced by T.
Protein change: p.Thr31Ile; replaces threonine 31 with isoleucine.
Molecular consequence: missense variant.
Genome position (GRCh38, 1-based): chr2:170,822,096, C>T. VCF-style: chr2-170822096-C-T. GRCh37 (hg19) VCF-style: chr2-171678606-C-T.
Other names: c.92C>T, p.Thr31Ile (NM_013445.4); short protein forms T31I.
Identifiers: ClinVar variation 930848 (VCV000930848.5), dbSNP rs1413245027, ClinGen allele CA349270253.